The following is an entry in ClinVar:

NM_000059.4(BRCA2):c.2586_2592del (p.Asn863fs)

Gene: BRCA2 (BRCA2 DNA repair associated; plus strand). Cytogenetic location: 13q13.1.
Variant type: Deletion.
Coding change: c.2586_2592del on transcript NM_000059.4 (MANE Select); coding-DNA positions 2586 to 2592, 7 bases deleted (AAATCAA; older notation c.2586_2592delAAATCAA).
Protein change: p.Asn863fs; shifts the reading frame from asparagine 863.
Molecular consequence: frameshift variant.
Genome position (GRCh38, 1-based): chr13:32,336,941-32,336,947, AAATCAA deleted; deleting any 7 consecutive bases within chr13:32,336,939-32,336,947 gives the same sequence; the c. name uses the placement nearest the transcript's 3' end. VCF-style (leftmost placement, unchanged base first): chr13-32336938-AAAAAATC-A. GRCh37 (hg19) VCF-style: chr13-32911075-AAAAAATC-A.
Other names: 2814del7; 2812del7; c.2586_2592delAAATCAA (NM_000059.3); short protein forms N863fs.
Identifiers: ClinVar variation 51308 (VCV000051308.4), dbSNP rs80359336, ClinGen allele CA015698.
Genomic context (GRCh38, chr13:32,336,938, plus strand): 5'-AGTAGCATCACCTTCAAGAAAGGTACAATTCAACCAAAACACAAATCTAAGAGTAATCCA[AAAAAATC>A]AAGAAGAAACTACTTCAATTTCAAAAATAACTGTCAATCCAGACTCTGAAGAACTTTTCT-3'

ClinVar aggregate classification (germline): Pathogenic. Review status: reviewed by expert panel (3 of 4 stars). 3 submissions from 3 submitters: Pathogenic (1). 2 of the submissions do not count toward it. Last evaluated 2016-09-08.

Conditions:
Hereditary breast ovarian cancer syndrome. Also called: Hereditary breast and ovarian cancer syndrome; Hereditary breast and ovarian cancer; Hereditary breast and ovarian cancer syndrome (HBOC); Breast and ovarian cancer; Hereditary breast and/or ovarian cancer syndrome; BRCA1- and BRCA2-Associated Hereditary Breast and Ovarian Cancer. Identifiers: Orphanet 145, MedGen C0677776, MeSH D061325, MONDO:0003582. Disease mechanism: loss of function.
Breast-ovarian cancer, familial, susceptibility to, 2 (BROVCA2). Also called: BRCA2 Hereditary Breast and Ovarian Cancer. Identifiers: Orphanet 145, MedGen C2675520, MONDO:0012933, OMIM 612555. Disease mechanism: loss of function.

Submissions (3):

Evidence-based Network for the Interpretation of Germline Mutant Alleles (ENIGMA)
Classification: Pathogenic for Breast-ovarian cancer, familial, susceptibility to, 2. Last evaluated: 2016-09-08. Review status: reviewed by expert panel. Criteria: ENIGMA BRCA1/2 Classification Criteria (2015). Collection method: curation. Allele origin: germline.
Comment: Variant allele predicted to encode a truncated non-functional protein.

Research Molecular Genetics Laboratory, Women's College Hospital, University of Toronto
Classification: Pathogenic for Hereditary breast ovarian cancer syndrome. Last evaluated: 2014-01-31. Review status: no assertion criteria provided. Collection method: research. Allele origin: germline. Affected: yes. Study: The Canadian Open Genetics Repository (COGR). Not counted in ClinVar's aggregate classification.

Breast Cancer Information Core (BIC) (BRCA2)
Classification: Pathogenic for Breast-ovarian cancer, familial 2. Last evaluated: 2002-05-29. Review status: no assertion criteria provided. Collection method: clinical testing. Allele origin: germline. Affected: yes. Observed: 1 variant allele. Not counted in ClinVar's aggregate classification.